The following is an entry in ClinVar:

ClinVar aggregate classification (germline): Conflicting classifications of pathogenicity. Review status: criteria provided, conflicting classifications (1 of 4 stars). 3 submissions from 3 submitters: Uncertain significance (2); Likely benign (1). Last evaluated 2023-04-19.

Conditions:
Hereditary nonpolyposis colorectal neoplasms. Identifiers: MedGen C0009405, MeSH D003123.
Hereditary cancer-predisposing syndrome. Also called: Neoplastic Syndromes, Hereditary; Tumor predisposition; Hereditary Cancer Syndrome; Hereditary neoplastic syndrome. Identifiers: Orphanet 140162, MedGen C0027672, MeSH D009386, MONDO:0015356.

Allele frequency attached by ClinVar (database versions not stated): gnomAD exomes below 0.00001 and 0.00001.
gnomAD v4.1: 2 of 1,614,174 alleles (0.00012%); highest among the groups gnomAD compares: Admixed American, 0.0033%; no homozygotes.

Submissions (3):

Labcorp Genetics (formerly Invitae), Labcorp
Classification: Likely benign for Hereditary nonpolyposis colorectal neoplasms. Last evaluated: 2023-04-19. Review status: criteria provided, single submitter. Criteria: Invitae Variant Classification Sherloc (09022015). Collection method: clinical testing. Allele origin: germline.

Color Diagnostics, LLC DBA Color Health
Classification: Uncertain significance for Hereditary cancer-predisposing syndrome. Last evaluated: 2018-11-25. Review status: criteria provided, single submitter. Criteria: ACMG Guidelines, 2015. Collection method: clinical testing. Allele origin: germline.

Ambry Genetics
Classification: Uncertain significance for Hereditary cancer-predisposing syndrome. Last evaluated: 2016-09-01. Review status: criteria provided, single submitter. Criteria: Ambry Variant Classification Scheme 2023. Collection method: clinical testing. Allele origin: germline.
Comment: The p.E207K variant (also known as c.619G>A), located in coding exon 3 of the MSH6 gene, results from a G to A substitution at nucleotide position 619. The glutamic acid at codon 207 is replaced by lysine, an amino acid with similar properties. This variant was not reported in population based cohorts in the following databases: Database of Single Nucleotide Polymorphisms (dbSNP), NHLBI Exome Sequencing Project (ESP), and 1000 Genomes Project. In the ESP, this variant was not observed in 6503 samples (13006 alleles) with coverage at this position. To date, this alteration has been detected with an allele frequency of approximately 0.001% (greater than 150000 alleles tested) in our clinical cohort. This amino acid position is highly conserved in available vertebrate species. In addition, the in silico prediction for this alteration is inconclusive. In addition, the CoDP in silico tool predicts this alteration to have minor impact on molecular function, with a score of 0.000 (Terui H et al. J. Biomed. Sci. 2013;20:25). Since supporting evidence is limited at this time, the clinical significance of this alteration remains unclear.

NM_000179.3(MSH6):c.619G>A (p.Glu207Lys)

Gene: MSH6 (mutS homolog 6; plus strand). Cytogenetic location: 2p16.3.
Variant type: single nucleotide variant.
Coding change: c.619G>A on transcript NM_000179.3 (MANE Select); coding-DNA position 619, G replaced by A.
Protein change: p.Glu207Lys; replaces glutamic acid 207 with lysine.
Molecular consequence: missense variant. On other transcripts: 5 prime UTR variant (1), intron variant (2).
Genome position (GRCh38, 1-based): chr2:47,796,055, G>A. VCF-style: chr2-47796055-G-A. GRCh37 (hg19) VCF-style: chr2-48023194-G-A.
Other names: c.-284G>A (NM_001281494.2); c.-279-2556G>A (NM_001281493.2); c.238-2556G>A (NM_001281492.2); short protein forms E207K.
Identifiers: ClinVar variation 483812 (VCV000483812.14), dbSNP rs1322095633, ClinGen allele CA346738897.
Genomic context (GRCh38, chr2:47,796,055, plus strand): 5'-AAGATTAAGAGGCTTGAATTGGCAGTTTGTGATGAGCCCTCAGAGCCAGAAGAGGAAGAA[G>A]AGATGGAGGTGGGACACGGCAAGCATTCAGTTGTTATTTATGTTAGGGTGATGGGGGAAG-3'
Protein context (NP_000170.1, residues 197-217): DEPSEPEEEE[Glu207Lys]MEVGTTYVTD